The following is an entry in ClinVar:

ClinVar aggregate classification (germline): Uncertain significance (1 of 4 stars; one submission).

Conditions:
Klippel-Feil anomaly-myopathy-facial dysmorphism syndrome. Also called: Klippel-Feil syndrome 4, autosomal recessive, with myopathy and facial dysmorphism; Klippel-feil syndrome 4, autosomal recessive, with nemaline myopathy and facial dysmorphism. Identifiers: Orphanet 447974, MedGen C4225285, MONDO:0014689, OMIM 616549.

Submission:

Juno Genomics, Hangzhou Juno Genomics, Inc
Classification: Uncertain significance for Klippel-Feil anomaly-myopathy-facial dysmorphism syndrome. Review status: criteria provided, single submitter. Criteria: ACMG Guidelines, 2015. Collection method: clinical testing. Allele origin: germline. Affected: yes.
Comment: Null variant in a gene where loss of function (LOF) is a known mechanism of disease.;Absent from controls (or at extremely low frequency if recessive) in Genome Aggregation Database, Exome Sequencing Project, 1000 Genomes Project, or Exome Aggregation Consortium.;Patient's phenotype or family history is highly specific for a disease with a single genetic etiology.

NM_032608.7(MYO18B):c.1239_1240del (p.Lys414fs)

Gene: MYO18B (myosin XVIIIB; plus strand). Cytogenetic location: 22q12.1.
Variant type: Microsatellite.
Coding change: c.1239_1240del on transcript NM_032608.7 (MANE Select); coding-DNA positions 1239 to 1240, 2 bases deleted (GA; older notation c.1239_1240delGA).
Protein change: p.Lys414fs; shifts the reading frame from lysine 414.
Molecular consequence: frameshift variant.
Genome position (GRCh38, 1-based): chr22:25,769,155-25,769,156, GA deleted; deleting any 2 consecutive bases within chr22:25,769,152-25,769,156 gives the same sequence; the c. name uses the placement nearest the transcript's 3' end. VCF-style (leftmost placement, unchanged base first): chr22-25769151-CAG-C. GRCh37 (hg19) VCF-style: chr22-26165118-CAG-C.
Other names: c.1239_1240del, p.Lys414fs (NM_001318245.2); short protein forms K414fs.
Identifiers: ClinVar variation 3382948 (VCV003382948.2).